The following is an entry in ClinVar:

NM_001235.5(SERPINH1):c.78C>T (p.Ala26=)

Gene: SERPINH1 (serpin family H member 1; plus strand). Cytogenetic location: 11q13.5.
Variant type: single nucleotide variant.
Coding change: c.78C>T on transcript NM_001235.5 (MANE Select); coding-DNA position 78, C replaced by T.
Protein change: p.Ala26=; no amino-acid change (alanine 26 retained).
Molecular consequence: synonymous variant.
Genome position (GRCh38, 1-based): chr11:75,566,427, C>T. VCF-style: chr11-75566427-C-T. GRCh37 (hg19) VCF-style: chr11-75277472-C-T.
Other names: c.78C>T, p.Ala26= (NM_001207014.3).
Identifiers: ClinVar variation 1464642 (VCV001464642.14), dbSNP rs763412073, ClinGen allele CA6190714.
Genomic context (GRCh38, chr11:75,566,427, plus strand): 5'-TCTCAGCGCCTTCTGCCTCCTGGAGGCGGCCCTGGCCGCCGAGGTGAAGAAACCTGCAGC[C>T]GCAGCAGCTCCTGGCACTGCGGAGAAGTTGAGCCCCAAGGCGGCCACGCTTGCCGAGCGC-3'
Protein context (NP_001226.2, residues 16-36): ALAAEVKKPA[Ala26=]AAAPGTAEKL

ClinVar aggregate classification (germline): Likely benign. Review status: criteria provided, multiple submitters, no conflicts (2 of 4 stars). 2 submissions from 2 submitters: Likely benign (2). Last evaluated 2025-10-17.

Allele frequency attached by ClinVar (database versions not stated): gnomAD 0.00001; TOPMed 0.00001; gnomAD exomes 0.00003 and 0.00005.
gnomAD v4.1: 47 of 1,611,814 alleles (0.0029%); highest among the groups gnomAD compares: Middle Eastern, 0.033%; no homozygotes.

Submissions (2):

Labcorp Genetics (formerly Invitae), Labcorp
Classification: Likely benign. Last evaluated: 2025-10-17. Review status: criteria provided, single submitter. Criteria: Invitae Variant Classification Sherloc (09022015). Collection method: clinical testing. Allele origin: germline.

CeGaT Center for Human Genetics Tuebingen
Classification: Likely benign. Last evaluated: 2025-10-01. Review status: criteria provided, single submitter. Criteria: CeGaT Center For Human Genetics Tuebingen Variant Classification Criteria Version 2. Collection method: clinical testing. Allele origin: germline. Affected: yes. Observed: 1 variant allele.
Comment: SERPINH1: BP4, BP7